The following is an entry in ClinVar:

ClinVar aggregate classification (germline): Pathogenic. Review status: reviewed by expert panel (3 of 4 stars). 12 submissions from 12 submitters: Pathogenic (1). 11 of the submissions do not count toward it. Last evaluated 2023-03-16.

Conditions:
Inborn genetic diseases. Identifiers: MedGen C0950123, MeSH D030342.
Phenylketonuria (PKU). Also called: Phenylketonuria (PKU); FOLLING DISEASE; OLIGOPHRENIA PHENYLPYRUVICA; Phenylketonurias. Identifiers: Orphanet 716, MedGen C0031485, MONDO:0009861, OMIM 261600. Disease mechanism: loss of function.

Submissions (12):

ClinGen PAH Variant Curation Expert Panel
Classification: Pathogenic for Phenylketonuria. Last evaluated: 2023-03-16. Review status: reviewed by expert panel. Criteria: ClinGen PAH ACMG Specifications v1. Collection method: curation. Allele origin: germline. Inheritance: Autosomal recessive inheritance.
Comment: The c.592_613del (p.Tyr198fs) variant in PAH is a frameshift variant predicted to cause termination at amino acid 334 in exon 10, resulting in nonsense mediated decay in a gene in which loss-of-function is an established disease mechanism. It has been detected in multiple patients with PAH deficiency with pathogenic variants: c.782G>A (p.Arg261Gln) (PMID: 21890392); c.1222C>T (p.Arg408Trp) (PMID:26481238); c.969+1G>A (IVS9 + 1G>A) (PMID:18321666); c.311C>A (p.A104D), c.755G>A (p.R252Q) (PMID:23942198). This variant is absent in population databases. In summary, this variant meets criteria to be classified as Pathogenic for PAH deficiency based on the ACMG/AMP criteria applied, as specified by the ClinGen PAH VCEP: PM2, PM3_strong, PP4_moderate, PVS1

Ambry Genetics
Classification: Pathogenic for Inborn genetic diseases. Last evaluated: 2025-11-19. Review status: criteria provided, single submitter. Criteria: Ambry Variant Classification Scheme 2023. Collection method: clinical testing. Allele origin: germline. Not counted in ClinVar's aggregate classification.
Comment: The c.592_613del22 (p.Y198Sfs*136) alteration, located in exon 6 (coding exon 6) of the PAH gene, consists of a deletion of 22 nucleotides from position 592 to 613, causing a translational frameshift with a predicted alternate stop codon after 136 amino acids. This alteration is expected to result in loss of function by premature protein truncation or nonsense-mediated mRNA decay. This variant was not reported in population-based cohorts in the Genome Aggregation Database (gnomAD). This variant has been identified in the homozygous state and/or in conjunction with other PAH variant(s) in individual(s) with phenylalanine hydroxylase deficiency; in at least one instance, the variants were identified in trans (Daniele, 2009; Kostandyan, 2011; Ajami, 2013; Carducci, 2020). Based on the available evidence, this alteration is classified as pathogenic.

3billion
Classification: Pathogenic for Phenylketonuria. Last evaluated: 2025-06-18. Review status: criteria provided, single submitter. Criteria: ACMG Guidelines, 2015. Collection method: clinical testing. Allele origin: germline. Affected: yes. Not counted in ClinVar's aggregate classification.
Comment: The variant is observed at an extremely low frequency in the gnomAD v4.1.0 dataset (total allele frequency: <0.001%). Predicted Consequence/Location: Frameshift: predicted to result in a loss or disruption of normal protein function through nonsense-mediated decay (NMD) or protein truncation. Multiple pathogenic variants are reported downstream of the variant. The variant has been reported to be in trans with a pathogenic variant as either compound heterozygous or homozygous in at least one similarly affected unrelated individual (PMID: 26481238). The variant has been reported multiple times as an established pathogenic variant (ClinVar ID: VCV000102746 /PMID: 1301943 /3billion dataset). Therefore, this variant is classified as Pathogenic according to the recommendation of ACMG/AMP guideline.

Revvity Omics, Revvity
Classification: Pathogenic for Phenylketonuria. Last evaluated: 2025-05-16. Review status: criteria provided, single submitter. Criteria: ACMG Guidelines, 2015. Collection method: clinical testing. Allele origin: germline. Not counted in ClinVar's aggregate classification.

Labcorp Genetics (formerly Invitae), Labcorp
Classification: Pathogenic for Phenylketonuria. Last evaluated: 2025-02-09. Review status: criteria provided, single submitter. Criteria: Invitae Variant Classification Sherloc (09022015). Collection method: clinical testing. Allele origin: germline. Not counted in ClinVar's aggregate classification.
Comment: This sequence change creates a premature translational stop signal (p.Tyr198Serfs*136) in the PAH gene. It is expected to result in an absent or disrupted protein product. Loss-of-function variants in PAH are known to be pathogenic (PMID: 1301187, 9634518). This variant is present in population databases (rs199475697, gnomAD 0.01%). This premature translational stop signal has been observed in individual(s) with phenylketonuria or hyperphenylalaninemia (PMID: 9359039, 21890392, 24301756). In at least one individual the data is consistent with being in trans (on the opposite chromosome) from a pathogenic variant. ClinVar contains an entry for this variant (Variation ID: 102746). For these reasons, this variant has been classified as Pathogenic.

Natera, Inc.
Classification: Pathogenic for Phenylketonuria. Last evaluated: 2025-02-05. Review status: criteria provided, single submitter. Criteria: Natera Variant Classification Schema (03/2026). Collection method: clinical testing. Allele origin: germline. Not counted in ClinVar's aggregate classification.
Comment: The c.592_613delTATAAAACCCATGCTTGCTATG variant in PAH is a frameshift variant predicted to shift the reading frame beginning at codon 198 and leads to a stop codon 136 codons downstream. This variant is expected to result in nonsense mediated decay, truncation, or a dysfunctional protein product. This variant is rare in the general population with a frequency below the threshold expected for the associated phenotype(s). This variant has been observed in one or more individuals affected with the associated recessive disease, as either homozygous or compound heterozygous with a second variant (PMID: 30159852). Given the available evidence, this variant is classified as Pathogenic.

Quest Diagnostics Nichols Institute San Juan Capistrano
Classification: Pathogenic. Last evaluated: 2025-01-21. Review status: criteria provided, single submitter. Criteria: Quest Diagnostics criteria. Collection method: clinical testing. Allele origin: unknown. Not counted in ClinVar's aggregate classification.
Comment: This frameshift variant alters the translational reading frame of the PAH mRNA and causes the premature termination of PAH protein synthesis. The frequency of this variant in the general population, 0.00014 (5/35428 chromosomes), is consistent with pathogenicity. In the published literature, the variant has been reported in individuals with either classic PKU or hyperphenylalaninemia (PMIDs: 32905092 (2020), 21890392 (2011), 21147011 (2011), 19292873 (2009), 9634518 (1998), 8981952 (1997)). Based on the available information, this variant is classified as pathogenic.

GeneDx
Classification: Pathogenic. Last evaluated: 2024-08-26. Review status: criteria provided, single submitter. Criteria: GeneDx Variant Classification Process June 2021. Collection method: clinical testing. Allele origin: germline. Affected: yes. Not counted in ClinVar's aggregate classification.
Comment: Frameshift variant predicted to result in protein truncation or nonsense mediated decay in a gene for which loss of function is a known mechanism of disease; Not observed at significant frequency in large population cohorts (gnomAD); This variant is associated with the following publications: (PMID: 26701937, 22572109, 10767174, 17096675, 24301756, 28676969, 21147011, 36646061, 35405047, 8069318, 19292873)

Women's Health and Genetics/Laboratory Corporation of America, LabCorp
Classification: Pathogenic for Phenylketonuria. Last evaluated: 2016-01-21. Review status: criteria provided, single submitter. Criteria: LabCorp Variant Classification Summary - May 2015. Collection method: clinical testing. Allele origin: germline. Not counted in ClinVar's aggregate classification.
Comment: Variant summary: This c.592_613del22 variant causes a frameshift, which alters the proteins amino acid sequence beginning at position 198 and leads to a premature termination codon 136 amino acids downstream. It is predicted to cause a truncated or absent PAH protein. Loss-of-function due to mutations in this gene is an established disease mechanism in Phenylketoneuria. This variant was not found in approximately 121322 chromosomes from the broad and large populations of ExAC. This variant has been recurrently reported as a causative mutation in patients with Phenylketoneuria. The region this variant is located is a mutational hot-spot where other similar pathogenic frameshift variants (such as c.586del22, c.589del22, c.590del23 and c.593del22) (source: HGMD) have been reported. Reputable databases have also classified this variant as pathogenic. Taken together, this variant has been classified as a Pathogenic.

Center for Genomics, Ann and Robert H. Lurie Children's Hospital of Chicago
Classification: Pathogenic for Phenylketonuria. Review status: criteria provided, single submitter. Criteria: ACMG Guidelines, 2015. Collection method: clinical testing. Allele origin: germline. Not counted in ClinVar's aggregate classification.
Comment: PAH NM_000277.2 exon 6 p.Tyr198Serfs*136 (c.592_613del): This variant has been reported in the literature in the homozygous state in two individuals with phenylketonuria (Daniele 2009 PMID:19292873, Ajami 2013 PMID:24301756) and has been reported in the PAH Consortium Database. This variant is present in 0.01% (5/35428) of Latino alleles in the Genome Aggregation Database. Please note, disease causing variants may be present in control databases at low frequencies, reflective of the general population, carrier status, and/or variable expressivity. This variant is present in ClinVar (Variation ID:102746). Evolutionary conservation and computational predictive tools for this variant are limited or unavailable. This variant represents a deletion of 22 nucleotides and creates a premature stop codon 136 amino acids downstream from this location which results in an absent or abnormal protein. Loss of function variants have been reported in association with disease for this gene (Eisensmith 1992 PMID:1301187, Guldberg 1998 PMID:9634518). In summary, this variant is classified as pathogenic based on the data above.

Counsyl
Classification: Likely pathogenic for Phenylketonuria. Last evaluated: 2014-02-25. Review status: no assertion criteria provided. Collection method: clinical testing. Allele origin: unknown. Not counted in ClinVar's aggregate classification.

DeBelle Laboratory for Biochemical Genetics, MUHC/MCH RESEARCH INSTITUTE
No classification provided. Review status: no classification provided. Collection method: not provided. Allele origin: not provided. Not counted in ClinVar's aggregate classification.

Literature cited by the submitters: PubMed 19292873 (cited by 3 submitters); PubMed 21890392 (cited by 3 submitters); PubMed 24301756 (cited by 3 submitters); PubMed 32905092 (cited by Ambry Genetics and Quest Diagnostics Nichols Institute San Juan Capistrano); PubMed 1301943 (cited by 3billion); PubMed 26481238 (cited by 3billion); PubMed 1301187 (cited by Labcorp Genetics (formerly Invitae), Labcorp); PubMed 9634518 (cited by Labcorp Genetics (formerly Invitae), Labcorp and Quest Diagnostics Nichols Institute San Juan Capistrano); PubMed 9359039 (cited by Labcorp Genetics (formerly Invitae), Labcorp); PubMed 30159852 (cited by Natera, Inc.); PubMed 21147011 (cited by Quest Diagnostics Nichols Institute San Juan Capistrano and Women's Health and Genetics/Laboratory Corporation of America, LabCorp); PubMed 8981952 (cited by Quest Diagnostics Nichols Institute San Juan Capistrano and Women's Health and Genetics/Laboratory Corporation of America, LabCorp).

NM_000277.3(PAH):c.592_613del (p.Tyr198fs)

Gene: PAH (phenylalanine hydroxylase; minus strand). Cytogenetic location: 12q23.2.
Variant type: Deletion.
Coding change: c.592_613del on transcript NM_000277.3 (MANE Select); coding-DNA positions 592 to 613, 22 bases deleted (TATAAAACCCATGCTTGCTATG).
Protein change: p.Tyr198fs; shifts the reading frame from tyrosine 198.
Molecular consequence: frameshift variant.
Genome position (GRCh38, 1-based): chr12:102,855,229-102,855,250, CATAGCAAGCATGGGTTTTATA deleted on the plus strand (TATAAAACCCATGCTTGCTATG on the coding strand, the reverse complement: PAH is on the minus strand); deleting any 22 consecutive bases within chr12:102,855,229-102,855,252 gives the same sequence; the c. name uses the placement nearest the transcript's 3' end. VCF-style (leftmost placement, unchanged base first): chr12-102855228-TCATAGCAAGCATGGGTTTTATA-T. GRCh37 (hg19) VCF-style: chr12-103249006-TCATAGCAAGCATGGGTTTTATA-T.
Other names: NM_000277.3(PAH):c.592_613del; p.Tyr198fs; c.592_613del, p.Tyr198fs (NM_001354304.2); c.592_613del (NM_000277.1); c.592_613delTATAAAACCCATGCTTGCTATG (NM_000277.2); short protein forms Y198fs.
Identifiers: ClinVar variation 102746 (VCV000102746.31), dbSNP rs199475697, ClinGen allele CA229638.